The following is an entry in ClinVar:

NM_001128178.3(NPHP1):c.308T>G (p.Ile103Arg)

Gene: NPHP1 (nephrocystin 1; minus strand). Cytogenetic location: 2q13.
Variant type: single nucleotide variant.
Coding change: c.308T>G on transcript NM_001128178.3 (MANE Select); coding-DNA position 308, T replaced by G.
Protein change: p.Ile103Arg; replaces isoleucine 103 with arginine.
Molecular consequence: missense variant. On other transcripts: intron variant (1).
Genome position (GRCh38, 1-based): chr2:110,178,444, A>C on the plus strand (T>G on the coding strand, the complement: NPHP1 is on the minus strand). VCF-style: chr2-110178444-A-C. GRCh37 (hg19) VCF-style: chr2-110936021-A-C.
Other names: c.308T>G, p.Ile103Arg (NM_000272.5, NM_001374256.1, NM_001374257.1 and 1 more transcripts); c.144-8446T>G (NM_001128179.3); short protein forms I103R.
Identifiers: ClinVar variation 3600784 (VCV003600784.2).
Genomic context (GRCh38, chr2:110,178,444, plus strand): 5'-CTTTAAAAAAGAAAAAAGAAAGGTAGAAAGGAAGCATACTCAGTTATATTTTCTCTGCTT[A>C]TTGTCACAGCAAGGCCCTGCAGTTGTTGGGTAAGCTTGTCCAAAAGAGTATGCTCCTCTT-3'
Protein context (NP_001121650.1, residues 93-113): TQQLQGLAVT[Ile103Arg]SRENITEVGA

ClinVar aggregate classification (germline): Uncertain significance. Review status: criteria provided, multiple submitters, no conflicts (2 of 4 stars). 2 submissions from 2 submitters: Uncertain significance (2). Last evaluated 2024-07-24.

Submissions (2):

GeneDx
Classification: Uncertain significance. Last evaluated: 2024-07-24. Review status: criteria provided, single submitter. Criteria: GeneDx Variant Classification Process June 2021. Collection method: clinical testing. Allele origin: germline. Affected: yes.
Comment: Not observed at significant frequency in large population cohorts (gnomAD); In silico analysis supports that this missense variant has a deleterious effect on protein structure/function; Has not been previously published as pathogenic or benign to our knowledge

Blueprint Genetics
Classification: Uncertain significance. Last evaluated: 2017-12-13. Review status: criteria provided, single submitter. Criteria: ACMG Guidelines, 2015. Collection method: clinical testing. Allele origin: germline.